The following is an entry in ClinVar:

NM_001927.4(DES):c.410C>T (p.Ala137Val)

Gene: DES (desmin; plus strand). Cytogenetic location: 2q35.
Variant type: single nucleotide variant.
Coding change: c.410C>T on transcript NM_001927.4 (MANE Select); coding-DNA position 410, C replaced by T.
Protein change: p.Ala137Val; replaces alanine 137 with valine.
Molecular consequence: missense variant.
Genome position (GRCh38, 1-based): chr2:219,418,872, C>T. VCF-style: chr2-219418872-C-T. GRCh37 (hg19) VCF-style: chr2-220283594-C-T.
Other names: c.410C>T, p.Ala137Val (NM_001382708.1, NM_001382709.1, NM_001382710.1 and 3 more transcripts); short protein forms A137V.
Identifiers: ClinVar variation 4613958 (VCV004613958.2).

ClinVar aggregate classification (germline): Uncertain significance. Review status: criteria provided, multiple submitters, no conflicts (2 of 4 stars). 2 submissions from 2 submitters: Uncertain significance (2). Last evaluated 2025-11-21.

Conditions:
Cardiovascular phenotype. Identifiers: MedGen CN230736.
Desmin-related myofibrillar myopathy (MFM1). Also called: MYOFIBRILLAR MYOPATHY WITH ARRHYTHMOGENIC RIGHT VENTRICULAR CARDIOMYOPATHY; DESMIN-RELATED MYOPATHY WITH ARRHYTHMOGENIC RIGHT VENTRICULAR CARDIOMYOPATHY; Myofibrillar myopathy 1; Desminopathy; Desmin related myopathy (former name); Desmin storage myopathy (former name). Identifiers: Orphanet 363543, Orphanet 98909, MedGen C1832370, MONDO:0011076, OMIM 601419.

gnomAD v4.1: 3 of 1,573,814 alleles (0.00019%); highest among the groups gnomAD compares: East Asian, 0.0023%; no homozygotes.

Submissions (2):

Labcorp Genetics (formerly Invitae), Labcorp
Classification: Uncertain significance for Desmin-related myofibrillar myopathy. Last evaluated: 2025-11-21. Review status: criteria provided, single submitter. Criteria: Invitae Variant Classification Sherloc (09022015). Collection method: clinical testing. Allele origin: germline.
Comment: This sequence change replaces alanine, which is neutral and non-polar, with valine, which is neutral and non-polar, at codon 137 of the DES protein (p.Ala137Val). The frequency data for this variant in the population databases is considered unreliable, as metrics indicate poor data quality at this position in the gnomAD database. This variant has not been reported in the literature in individuals affected with DES-related conditions. Invitae Evidence Modeling of protein sequence and biophysical properties (such as structural, functional, and spatial information, amino acid conservation, physicochemical variation, residue mobility, and thermodynamic stability) indicates that this missense variant is not expected to disrupt DES protein function with a negative predictive value of 80%. In summary, the available evidence is currently insufficient to determine the role of this variant in disease. Therefore, it has been classified as a Variant of Uncertain Significance.

Ambry Genetics
Classification: Uncertain significance for Cardiovascular phenotype. Last evaluated: 2025-11-02. Review status: criteria provided, single submitter. Criteria: Ambry Variant Classification Scheme 2023. Collection method: clinical testing. Allele origin: germline.
Comment: The p.A137V variant (also known as c.410C>T), located in coding exon 1 of the DES gene, results from a C to T substitution at nucleotide position 410. The alanine at codon 137 is replaced by valine, an amino acid with similar properties. This amino acid position is conserved. In addition, this alteration is predicted to be tolerated by in silico analysis. Based on the available evidence, the clinical significance of this variant remains unclear.